The following is an entry in ClinVar:

ClinVar aggregate classification (germline): Pathogenic (1 of 4 stars; one submission).

Conditions:
Hereditary cancer-predisposing syndrome. Also called: Tumor predisposition; Neoplastic Syndromes, Hereditary; Hereditary neoplastic syndrome; Hereditary Cancer Syndrome. Identifiers: Orphanet 140162, MedGen C0027672, MeSH D009386, MONDO:0015356.

Submission:

Ambry Genetics
Classification: Pathogenic for Hereditary cancer-predisposing syndrome. Last evaluated: 2024-08-28. Review status: criteria provided, single submitter. Criteria: Ambry Variant Classification Scheme 2023. Collection method: clinical testing. Allele origin: germline.
Comment: The p.S186* pathogenic mutation (also known as c.557C>G), located in coding exon 2 of the BLM gene, results from a C to G substitution at nucleotide position 557. This changes the amino acid from a serine to a stop codon within coding exon 2. This variant is considered to be rare based on population cohorts in the Genome Aggregation Database (gnomAD). This alteration is expected to result in loss of function by premature protein truncation or nonsense-mediated mRNA decay. As such, this alteration is interpreted as a disease-causing mutation.

NM_000057.4(BLM):c.557C>G (p.Ser186Ter)

Gene: BLM (BLM RecQ like helicase; plus strand). Cytogenetic location: 15q26.1.
Variant type: single nucleotide variant.
Coding change: c.557C>G on transcript NM_000057.4 (MANE Select); coding-DNA position 557, C replaced by G.
Protein change: p.Ser186Ter; replaces serine 186 with a stop codon.
Molecular consequence: nonsense. On other transcripts: 5 prime UTR variant (1).
Genome position (GRCh38, 1-based): chr15:90,749,825, C>G. VCF-style: chr15-90749825-C-G. GRCh37 (hg19) VCF-style: chr15-91293055-C-G.
Other names: c.557C>G, p.Ser186Ter (NM_001287246.2, NM_001287247.2); c.-735C>G (NM_001287248.2); short protein forms S186*.
Identifiers: ClinVar variation 3480788 (VCV003480788.1).